The following is an entry in ClinVar:

ClinVar aggregate classification (germline): Uncertain significance. Review status: criteria provided, multiple submitters, no conflicts (2 of 4 stars). 2 submissions from 2 submitters: Uncertain significance (2). Last evaluated 2026-07-23.

Conditions:
Hereditary cancer-predisposing syndrome. Also called: Neoplastic Syndromes, Hereditary; Hereditary Cancer Syndrome; Tumor predisposition; Hereditary neoplastic syndrome. Identifiers: Orphanet 140162, MedGen C0027672, MeSH D009386, MONDO:0015356.

Submissions (2):

Ambry Genetics
Classification: Uncertain significance for Hereditary cancer-predisposing syndrome. Last evaluated: 2026-07-23. Review status: criteria provided, single submitter. Criteria: Ambry Variant Classification Scheme 2023. Collection method: clinical testing. Allele origin: germline.
Comment: The p.E77Q variant (also known as c.229G>C), located in coding exon 3 of the PMS2 gene, results from a G to C substitution at nucleotide position 229. The glutamic acid at codon 77 is replaced by glutamine, an amino acid with highly similar properties. This amino acid position is well conserved in available vertebrate species. In addition, the in silico prediction for this alteration is inconclusive. Based on the available evidence, the clinical significance of this variant remains unclear.

Color Diagnostics, LLC DBA Color Health
Classification: Uncertain significance for Hereditary cancer-predisposing syndrome. Last evaluated: 2019-02-27. Review status: criteria provided, single submitter. Criteria: ACMG Guidelines, 2015. Collection method: clinical testing. Allele origin: germline.

NM_000535.7(PMS2):c.229G>C (p.Glu77Gln)

Gene: PMS2 (PMS1 homolog 2, mismatch repair system component; minus strand). Cytogenetic location: 7p22.1.
Variant type: single nucleotide variant.
Coding change: c.229G>C on transcript NM_000535.7 (MANE Select); coding-DNA position 229, G replaced by C.
Protein change: p.Glu77Gln; replaces glutamic acid 77 with glutamine.
Molecular consequence: missense variant. On other transcripts: 5 prime UTR variant (9), non-coding transcript variant (1).
Genome position (GRCh38, 1-based): chr7:6,003,993, C>G on the plus strand (G>C on the coding strand, the complement: PMS2 is on the minus strand). VCF-style: chr7-6003993-C-G. GRCh37 (hg19) VCF-style: chr7-6043624-C-G.
Other names: c.-177G>C (NM_001322003.2, NM_001322004.2, NM_001322005.2 and 3 more transcripts); c.229G>C, p.Glu77Gln (NM_001322006.2, NM_001322014.2); c.14G>C, p.Arg5Thr (NM_001322007.2, NM_001322008.2); c.-656G>C (NM_001322011.2, NM_001322012.2); c.-256G>C (NM_001322015.2); c.229G>C (NM_000535.5); short protein forms E77Q, R5T.
Identifiers: ClinVar variation 927034 (VCV000927034.3), dbSNP rs751235177, ClinGen allele CA366744796.